The following is an entry in ClinVar:

ClinVar aggregate classification (germline): Pathogenic (1 of 4 stars; one submission).

Conditions:
Nemaline myopathy 2 (NEM2). Also called: Nemaline myopathy 2, autosomal recessive. Identifiers: MedGen C1850569, MONDO:0009725, OMIM 256030.

Submission:

Labcorp Genetics (formerly Invitae), Labcorp
Classification: Pathogenic for Nemaline myopathy 2. Last evaluated: 2019-04-05. Review status: criteria provided, single submitter. Criteria: Invitae Variant Classification Sherloc (09022015). Collection method: clinical testing. Allele origin: germline.
Comment: A gross deletion of the genomic region encompassing the full coding sequence of the NEB gene has been identified. The boundaries of this event are unknown as the deletion extends beyond the assayed region for this gene and therefore may encompass additional genes. This variant has not been reported in the literature in individuals with NEB-related conditions. Loss-of-function variants in NEB are known to be pathogenic (PMID: 25205138). For these reasons, this variant has been classified as Pathogenic.

NC_000002.12:g.(?_151485750)_(151957616_?)del

Genes: NEB (nebulin; minus strand), ARL5A (ARF like GTPase 5A; minus strand), CACNB4 (calcium voltage-gated channel auxiliary subunit beta 4; minus strand). Cytogenetic location: 2q23.3.
Variant type: Deletion.
Identifiers: ClinVar variation 833295 (VCV000833295.1).